The following is an entry in ClinVar:

NM_000535.6(PMS2):c.164-?_2006+?del

Gene: PMS2 (PMS1 homolog 2, mismatch repair system component; minus strand).
Variant type: Deletion.
Coding change: c.164-?_2006+?del on transcript NM_000535.6.
Other names: c.164-?_2006+?del (LRG_161t1).
Identifiers: ClinVar variation 254091 (VCV000254091.1).

ClinVar aggregate classification (germline): Pathogenic (1 of 4 stars; one submission).

Conditions:
Lynch syndrome. Identifiers: Orphanet 144, MedGen C4552100, MONDO:0005835. Disease mechanism: loss of function.

Submission:

Labcorp Genetics (formerly Invitae), Labcorp
Classification: Pathogenic for Hereditary nonpolyposis colorectal neoplasms. Last evaluated: 2016-03-30. Review status: criteria provided, single submitter. Criteria: Invitae Variant Classification Sherloc (09022015). Collection method: clinical testing. Allele origin: germline.
Comment: This variant is a gross deletion of the genomic region encompassing exons 3-15 of the PMS2 gene. The 5' boundary is likely confined to intron 2. The 3' end of this event is unknown as it extends through the termination codon beyond the assayed region for this gene and may encompass additional genes. While this deletion is not anticipated to result in nonsense mediated decay, it is expected to create a truncated protein by eliminating 808 amino acid residues (~94%) from the full length PMS2 protein. Truncating variants including sub-genic gross deletions in PMS2 are known to be pathogenic. While deletions of exons 3-15 have not been reported in the literature, a similar deletion of exons (3-) 5-15 has been reported in an individual with Lynch syndrome-associated cancer, but it is not clear if the deletion encompasses exons 3-15 or 5-15 (PMID: 20186688, 25512458). This large truncation is expected to remove important PMS2 functional domains, including a coiled-coil domain (residues 612-674) that mediates the interaction with MLH1, which is required for mismatch repair activity (PMID: 11292842). Smaller in-frame deletions of exons 6-8 and 8-11 have been classified as pathogenic (Invitae database). For these reasons, this variant has been classified as Pathogenic.